The following is an entry in ClinVar:

ClinVar aggregate classification (germline): Uncertain significance (1 of 4 stars; one submission).

Submission:

Labcorp Genetics (formerly Invitae), Labcorp
Classification: Uncertain significance. Last evaluated: 2024-05-15. Review status: criteria provided, single submitter. Criteria: Invitae Variant Classification Sherloc (09022015). Collection method: clinical testing. Allele origin: germline.
Comment: This variant, c.84_95del, results in the deletion of 4 amino acid(s) of the NONO protein (p.His28_Gln31del), but otherwise preserves the integrity of the reading frame. This variant is not present in population databases (gnomAD no frequency). This variant has not been reported in the literature in individuals affected with NONO-related conditions. ClinVar contains an entry for this variant (Variation ID: 1942325). Experimental studies and prediction algorithms are not available or were not evaluated, and the functional significance of this variant is currently unknown. In summary, the available evidence is currently insufficient to determine the role of this variant in disease. Therefore, it has been classified as a Variant of Uncertain Significance.

NM_007363.5(NONO):c.84_95del (p.His28_Gln31del)

Gene: NONO (non-POU domain containing octamer binding; plus strand). Cytogenetic location: Xq13.1.
Variant type: Deletion.
Coding change: c.84_95del on transcript NM_007363.5 (MANE Select); coding-DNA positions 84 to 95, 12 bases deleted (CCACCAGCAGCA).
Protein change: p.His28_Gln31del.
Molecular consequence: inframe deletion. On other transcripts: intron variant (1).
Genome position (GRCh38, 1-based): chrX:71,290,721-71,290,732, CCACCAGCAGCA deleted; deleting any 12 consecutive bases within chrX:71,290,713-71,290,732 gives the same sequence; the c. name uses the placement nearest the transcript's 3' end. VCF-style (leftmost placement, unchanged base first): chrX-71290712-GCAGCAGCACCAC-G. GRCh37 (hg19) VCF-style: chrX-70510562-GCAGCAGCACCAC-G.
Other names: c.84_95del, p.His28_Gln31del (NM_001145408.2, NM_001145409.2); c.-113-1058_-113-1047del (NM_001145410.2).
Identifiers: ClinVar variation 1942325 (VCV001942325.5), dbSNP rs1284257748, ClinGen allele CA645613870.